The following is an entry in ClinVar:

NM_014806.5(RUSC2):c.654C>A (p.Ser218Arg)

Gene: RUSC2 (RUN and SH3 domain containing 2; plus strand). Cytogenetic location: 9p13.3.
Variant type: single nucleotide variant.
Coding change: c.654C>A on transcript NM_014806.5 (MANE Select); coding-DNA position 654, C replaced by A.
Protein change: p.Ser218Arg; replaces serine 218 with arginine.
Molecular consequence: missense variant. On other transcripts: non-coding transcript variant (1), intron variant (1).
Genome position (GRCh38, 1-based): chr9:35,547,175, C>A. VCF-style: chr9-35547175-C-A. GRCh37 (hg19) VCF-style: chr9-35547172-C-A.
Other names: c.654C>A, p.Ser218Arg (NM_001135999.2); c.-620-7885C>A (NM_001330740.2); short protein forms S218R.
Identifiers: ClinVar variation 1513745 (VCV001513745.6), dbSNP rs777809291, ClinGen allele CA373328272.

ClinVar aggregate classification (germline): Uncertain significance (1 of 4 stars; one submission).

gnomAD v4.1: 1 of 1,614,098 alleles (0.000062%); highest among the groups gnomAD compares: Non-Finnish European, 0.000085%; no homozygotes.

Submission:

Labcorp Genetics (formerly Invitae), Labcorp
Classification: Uncertain significance. Last evaluated: 2024-12-16. Review status: criteria provided, single submitter. Criteria: Invitae Variant Classification Sherloc (09022015). Collection method: clinical testing. Allele origin: germline.
Comment: This sequence change replaces serine, which is neutral and polar, with arginine, which is basic and polar, at codon 218 of the RUSC2 protein (p.Ser218Arg). This variant is not present in population databases (gnomAD no frequency). This variant has not been reported in the literature in individuals affected with RUSC2-related conditions. ClinVar contains an entry for this variant (Variation ID: 1513745). An algorithm developed to predict the effect of missense changes on protein structure and function (PolyPhen-2) suggests that this variant is likely to be disruptive. In summary, the available evidence is currently insufficient to determine the role of this variant in disease. Therefore, it has been classified as a Variant of Uncertain Significance.